The following is an entry in ClinVar:

ClinVar aggregate classification (germline): Uncertain significance. Review status: criteria provided, multiple submitters, no conflicts (2 of 4 stars). 2 submissions from 2 submitters: Uncertain significance (2). Last evaluated 2024-05-21.

Conditions:
Hereditary breast ovarian cancer syndrome. Also called: Hereditary breast and ovarian cancer; Hereditary breast and ovarian cancer syndrome; Breast and ovarian cancer; BRCA1- and BRCA2-Associated Hereditary Breast and Ovarian Cancer; Hereditary breast and/or ovarian cancer syndrome; Hereditary breast and ovarian cancer syndrome (HBOC). Identifiers: Orphanet 145, MedGen C0677776, MeSH D061325, MONDO:0003582. Disease mechanism: loss of function.

Submissions (2):

Labcorp Genetics (formerly Invitae), Labcorp
Classification: Uncertain significance for Hereditary breast ovarian cancer syndrome. Last evaluated: 2024-05-21. Review status: criteria provided, single submitter. Criteria: Invitae Variant Classification Sherloc (09022015). Collection method: clinical testing. Allele origin: germline.
Comment: This variant, c.9658_9660del, results in the deletion of 1 amino acid(s) of the BRCA2 protein (p.Pro3220del), but otherwise preserves the integrity of the reading frame. This variant is not present in population databases (gnomAD no frequency). This variant has been observed in individual(s) with ovarian cancer (PMID: 35409996). ClinVar contains an entry for this variant (Variation ID: 993183). Experimental studies and prediction algorithms are not available or were not evaluated, and the functional significance of this variant is currently unknown. In summary, the available evidence is currently insufficient to determine the role of this variant in disease. Therefore, it has been classified as a Variant of Uncertain Significance.

Quest Diagnostics Nichols Institute San Juan Capistrano
Classification: Uncertain significance. Last evaluated: 2019-11-21. Review status: criteria provided, single submitter. Criteria: Quest Diagnostics criteria. Collection method: clinical testing. Allele origin: unknown.

Literature cited by the submitters: PubMed 35409996 (cited by Labcorp Genetics (formerly Invitae), Labcorp).

NM_000059.4(BRCA2):c.9658_9660del (p.Pro3220del)

Gene: BRCA2 (BRCA2 DNA repair associated; plus strand). Cytogenetic location: 13q13.1.
Variant type: Deletion.
Coding change: c.9658_9660del on transcript NM_000059.4 (MANE Select); coding-DNA positions 9658 to 9660, 3 bases deleted (CCT; older notation c.9658_9660delCCT).
Protein change: p.Pro3220del; deletes proline 3220.
Molecular consequence: inframe deletion.
Genome position (GRCh38, 1-based): chr13:32,398,171-32,398,173, CCT deleted; deleting any 3 consecutive bases within chr13:32,398,169-32,398,173 gives the same sequence; the c. name uses the placement nearest the transcript's 3' end. VCF-style (leftmost placement, unchanged base first): chr13-32398168-TCTC-T. GRCh37 (hg19) VCF-style: chr13-32972305-TCTC-T.
Other names: short protein forms P3220del.
Identifiers: ClinVar variation 993183 (VCV000993183.3), dbSNP rs2073049047, ClinGen allele CA1139663202.